The following is an entry in ClinVar:

NM_001875.5(CPS1):c.3173G>C (p.Gly1058Ala)

Gene: CPS1 (carbamoyl-phosphate synthase 1; plus strand). Cytogenetic location: 2q34.
Variant type: single nucleotide variant.
Coding change: c.3173G>C on transcript NM_001875.5 (MANE Select); coding-DNA position 3173, G replaced by C.
Protein change: p.Gly1058Ala; replaces glycine 1058 with alanine.
Molecular consequence: missense variant. On other transcripts: non-coding transcript variant (2).
Genome position (GRCh38, 1-based): chr2:210,647,894, G>C. VCF-style: chr2-210647894-G-C. GRCh37 (hg19) VCF-style: chr2-211512618-G-C.
Other names: c.3173G>C, p.Gly1058Ala (NM_001122633.3, NM_001369257.1); c.3206G>C, p.Gly1069Ala (NM_001369256.1); short protein forms G1058A, G1069A.
Identifiers: ClinVar variation 846417 (VCV000846417.9), dbSNP rs1700429133, ClinGen allele CA350435628.

ClinVar aggregate classification (germline): Uncertain significance (1 of 4 stars; one submission).

Conditions:
Congenital hyperammonemia, type I. Also called: Carbamoyl-phosphate synthase I deficiency; Carbamoyl phosphate synthetase 1 deficiency; Hyperammonemia due to carbamoyl phosphate synthetase 1 deficiency; CPS 1 deficiency; Carbamyl phosphate synthetase (CPS) deficiency; Carbamoyl phosphate synthetase I deficiency disease. Identifiers: Orphanet 147, MedGen C4082171, MONDO:0009376, OMIM 237300.

Submission:

Labcorp Genetics (formerly Invitae), Labcorp
Classification: Uncertain significance for Congenital hyperammonemia, type I. Last evaluated: 2019-03-22. Review status: criteria provided, single submitter. Criteria: Invitae Variant Classification Sherloc (09022015). Collection method: clinical testing. Allele origin: germline.
Comment: This sequence change replaces glycine with alanine at codon 1058 of the CPS1 protein (p.Gly1058Ala). The glycine residue is highly conserved and there is a small physicochemical difference between glycine and alanine. This variant is not present in population databases (ExAC no frequency). This variant has not been reported in the literature in individuals with CPS1-related conditions. Algorithms developed to predict the effect of missense changes on protein structure and function are either unavailable or do not agree on the potential impact of this missense change (SIFT: "Deleterious"; PolyPhen-2: "Probably Damaging"; Align-GVGD: "Class C0"). In summary, the available evidence is currently insufficient to determine the role of this variant in disease. Therefore, it has been classified as a Variant of Uncertain Significance.